The following is an entry in ClinVar:

NM_001354604.2(MITF):c.546G>A (p.Met182Ile)

Gene: MITF (melanocyte inducing transcription factor; plus strand). Cytogenetic location: 3p13.
Variant type: single nucleotide variant.
Coding change: c.546G>A on transcript NM_001354604.2 (MANE Select); coding-DNA position 546, G replaced by A.
Protein change: p.Met182Ile; replaces methionine 182 with isoleucine.
Molecular consequence: missense variant. On other transcripts: intron variant (1).
Genome position (GRCh38, 1-based): chr3:69,938,013, G>A. VCF-style: chr3-69938013-G-A. GRCh37 (hg19) VCF-style: chr3-69987164-G-A.
Other names: c.225G>A, p.Met75Ile (NM_000248.4, NM_001184968.2, NM_198158.3); c.390G>A, p.Met130Ile (NM_001184967.2, NM_001354608.2); c.543G>A, p.Met181Ile (NM_001354605.2, NM_001354606.2, NM_006722.3); c.495G>A, p.Met165Ile (NM_001354607.2); c.546G>A, p.Met182Ile (NM_198159.3); c.498G>A, p.Met166Ile (NM_198177.3); c.93+132G>A (NM_198178.3); short protein forms M165I, M75I, M166I, M182I, M130I, M181I.
Identifiers: ClinVar variation 3396349 (VCV003396349.3).

ClinVar aggregate classification (germline): Uncertain significance. Review status: criteria provided, multiple submitters, no conflicts (2 of 4 stars). 2 submissions from 2 submitters: Uncertain significance (2). Last evaluated 2024-12-09.

Conditions:
Hereditary cancer-predisposing syndrome. Also called: Hereditary Cancer Syndrome; Tumor predisposition; Hereditary neoplastic syndrome; Neoplastic Syndromes, Hereditary. Identifiers: Orphanet 140162, MedGen C0027672, MeSH D009386, MONDO:0015356.
Waardenburg syndrome type 2A (WS2A). Also called: WAARDENBURG SYNDROME WITHOUT DYSTOPIA CANTHORUM. Identifiers: Orphanet 3440, MedGen C1860339, MONDO:0008671, OMIM 193510.
Melanoma, cutaneous malignant, susceptibility to, 8. Also called: MELANOMA AND RENAL CELL CARCINOMA, SUSCEPTIBILITY TO; Cutaneous malignant melanoma 8. Identifiers: Orphanet 293822, MedGen C3152204, MONDO:0013759, OMIM 614456.
Tietz syndrome (TADS). Also called: ALBINISM-DEAFNESS OF TIETZ; HYPOPIGMENTATION/DEAFNESS OF TIETZ; TIETZ ALBINISM-DEAFNESS SYNDROME. Identifiers: Orphanet 42665, MedGen C0391816, MONDO:0007077, OMIM 103500.

Submissions (2):

Ambry Genetics
Classification: Uncertain significance for Hereditary cancer-predisposing syndrome. Last evaluated: 2024-12-09. Review status: criteria provided, single submitter. Criteria: Ambry Variant Classification Scheme 2023. Collection method: clinical testing. Allele origin: germline.
Comment: The p.M75I variant (also known as c.225G>A), located in coding exon 2 of the MITF gene, results from a G to A substitution at nucleotide position 225. The methionine at codon 75 is replaced by isoleucine, an amino acid with highly similar properties. This amino acid position is conserved. In addition, this alteration is predicted to be tolerated by in silico analysis. Based on the available evidence, the clinical significance of this variant remains unclear.

Labcorp Genetics (formerly Invitae), Labcorp
Classification: Uncertain significance for Melanoma, cutaneous malignant, susceptibility to, 8; Waardenburg syndrome type 2A; Tietz syndrome. Last evaluated: 2024-09-26. Review status: criteria provided, single submitter. Criteria: Invitae Variant Classification Sherloc (09022015). Collection method: clinical testing. Allele origin: germline.
Comment: This sequence change replaces methionine, which is neutral and non-polar, with isoleucine, which is neutral and non-polar, at codon 75 of the MITF protein (p.Met75Ile). This variant is not present in population databases (gnomAD no frequency). This variant has not been reported in the literature in individuals affected with MITF-related conditions. Invitae Evidence Modeling of protein sequence and biophysical properties (such as structural, functional, and spatial information, amino acid conservation, physicochemical variation, residue mobility, and thermodynamic stability) indicates that this missense variant is expected to disrupt MITF protein function with a positive predictive value of 80%. In summary, the available evidence is currently insufficient to determine the role of this variant in disease. Therefore, it has been classified as a Variant of Uncertain Significance.